The following is an entry in ClinVar:

ClinVar aggregate classification (germline): Likely benign (0 of 4 stars; one submission).

Conditions:
Friedreich ataxia 1 (FRDA1). Identifiers: Orphanet 95, MedGen C1856689, MONDO:0100340, OMIM 229300.

Submission:

Institute of Genomic Medicine, Catholic University
Classification: Likely benign for Friedreich ataxia 1. Last evaluated: 2019-12-20. Review status: no assertion criteria provided. Collection method: clinical testing. Allele origin: maternal. Inheritance: Autosomal recessive inheritance. Affected: no. Observed: 1 heterozygote.
Comment: This expanded allele consists of 66-67 GAAGGA hexanucleotide repeats that mimic an approximately 130 "pure" GAA repeat, typically associated with recessive Friedreich's Ataxia and hypermethylation of CpG sites upstream of the GAA repeat in intron 1 of the FXN gene. A short deletion of 4 nucleotide (AATA) after the normal GAA repeat, was observed and the GAAGGA expansion is inserted in its place. However, this GAAGGA hexamer appears to be relatively stable, is not associated with CpG hypermethylation, it does not appear to have an inhibitory effect on FXN transcription and compound heterozygotes with the GAAGGA and a "pure" GAA expansion do not develop Friedreich's Ataxia.

NG_008845.2:g.6743_6746delinsGAAGGA[66]GAAG

Gene: FXN (frataxin; plus strand). Cytogenetic location: 9q21.11.
Variant type: Indel.
Identifiers: ClinVar variation 804267 (VCV000804267.3).